The following is an entry in ClinVar:

ClinVar aggregate classification (germline): Uncertain significance. Review status: criteria provided, multiple submitters, no conflicts (2 of 4 stars). 2 submissions from 2 submitters: Uncertain significance (2). Last evaluated 2025-05-07.

Conditions:
Hereditary cancer-predisposing syndrome. Also called: Hereditary neoplastic syndrome; Hereditary Cancer Syndrome; Neoplastic Syndromes, Hereditary; Tumor predisposition. Identifiers: Orphanet 140162, MedGen C0027672, MeSH D009386, MONDO:0015356.

gnomAD v4.1: 1 of 1,614,148 alleles (0.000062%); highest among the groups gnomAD compares: Non-Finnish European, 0.000085%; no homozygotes.

Submissions (2):

Ambry Genetics
Classification: Uncertain significance for Hereditary cancer-predisposing syndrome. Last evaluated: 2025-05-07. Review status: criteria provided, single submitter. Criteria: Ambry Variant Classification Scheme 2023. Collection method: clinical testing. Allele origin: germline.
Comment: The p.E1213K variant (also known as c.3637G>A), located in coding exon 30 of the POLE gene, results from a G to A substitution at nucleotide position 3637. The glutamic acid at codon 1213 is replaced by lysine, an amino acid with similar properties. This amino acid position is highly conserved in available vertebrate species. In addition, the in silico prediction for this alteration is inconclusive. Based on the available evidence, the clinical significance of this variant remains unclear.

Labcorp Genetics (formerly Invitae), Labcorp
Classification: Uncertain significance. Last evaluated: 2023-10-27. Review status: criteria provided, single submitter. Criteria: Invitae Variant Classification Sherloc (09022015). Collection method: clinical testing. Allele origin: germline.
Comment: This sequence change replaces glutamic acid, which is acidic and polar, with lysine, which is basic and polar, at codon 1213 of the POLE protein (p.Glu1213Lys). This variant is not present in population databases (gnomAD no frequency). This variant has not been reported in the literature in individuals affected with POLE-related conditions. Advanced modeling of protein sequence and biophysical properties (such as structural, functional, and spatial information, amino acid conservation, physicochemical variation, residue mobility, and thermodynamic stability) has been performed at Invitae for this missense variant, however the output from this modeling did not meet the statistical confidence thresholds required to predict the impact of this variant on POLE protein function. In summary, the available evidence is currently insufficient to determine the role of this variant in disease. Therefore, it has been classified as a Variant of Uncertain Significance.

NM_006231.4(POLE):c.3637G>A (p.Glu1213Lys)

Gene: POLE (DNA polymerase epsilon, catalytic subunit; minus strand). Cytogenetic location: 12q24.33.
Variant type: single nucleotide variant.
Coding change: c.3637G>A on transcript NM_006231.4 (MANE Select); coding-DNA position 3637, G replaced by A.
Protein change: p.Glu1213Lys; replaces glutamic acid 1213 with lysine.
Molecular consequence: missense variant.
Genome position (GRCh38, 1-based): chr12:132,649,835, C>T on the plus strand (G>A on the coding strand, the complement: POLE is on the minus strand). VCF-style: chr12-132649835-C-T. GRCh37 (hg19) VCF-style: chr12-133226421-C-T.
Other names: c.3637G>A (NM_006231.2); short protein forms E1213K.
Identifiers: ClinVar variation 2771987 (VCV002771987.4), dbSNP rs2541955482, ClinGen allele CA387386870.